The following is an entry in ClinVar:

NM_001005498.4(RHBDF2):c.437C>T (p.Thr146Ile)

Gene: RHBDF2 (rhomboid 5 homolog 2; minus strand). Cytogenetic location: 17q25.1.
Variant type: single nucleotide variant.
Coding change: c.437C>T on transcript NM_001005498.4 (MANE Select); coding-DNA position 437, C replaced by T.
Protein change: p.Thr146Ile; replaces threonine 146 with isoleucine.
Molecular consequence: missense variant. On other transcripts: non-coding transcript variant (3).
Genome position (GRCh38, 1-based): chr17:76,479,113, G>A on the plus strand (C>T on the coding strand, the complement: RHBDF2 is on the minus strand). VCF-style: chr17-76479113-G-A. GRCh37 (hg19) VCF-style: chr17-74475195-G-A.
Other names: c.437C>T, p.Thr146Ile (NM_001376228.1, NM_001376229.1, NM_001376230.1); c.524C>T, p.Thr175Ile (NM_024599.5); short protein forms T146I, T175I.
Identifiers: ClinVar variation 3674603 (VCV003674603.2).
Genomic context (GRCh38, chr17:76,479,113, plus strand): 5'-CCCCTGCCTCCTTTCCCCATGGATCCCACCTTGGGCATCTTGCAGGGCTTTGGGGACTCA[G>A]TGCCCTGGAAGGACGGTGCCTCCTGGCTGGGGAGCTCCAGGTCACGCTGGCACGAGGCCT-3'
Protein context (NP_001005498.2, residues 136-156): PSQEAPSFQG[Thr146Ile]ESPKPCKMPK

ClinVar aggregate classification (germline): Uncertain significance (1 of 4 stars; one submission).

gnomAD v4.1: 5 of 1,613,716 alleles (0.00031%); highest among the groups gnomAD compares: Non-Finnish European, 0.000085%; no homozygotes.

Submission:

Labcorp Genetics (formerly Invitae), Labcorp
Classification: Uncertain significance. Last evaluated: 2024-02-15. Review status: criteria provided, single submitter. Criteria: Invitae Variant Classification Sherloc (09022015). Collection method: clinical testing. Allele origin: germline.
Comment: This sequence change replaces threonine, which is neutral and polar, with isoleucine, which is neutral and non-polar, at codon 175 of the RHBDF2 protein (p.Thr175Ile). This variant is present in population databases (no rsID available, gnomAD 0.006%). This variant has not been reported in the literature in individuals affected with RHBDF2-related conditions. Algorithms developed to predict the effect of missense changes on protein structure and function output the following: SIFT: "Not Available"; PolyPhen-2: "Benign"; Align-GVGD: "Not Available". The isoleucine amino acid residue is found in multiple mammalian species, which suggests that this missense change does not adversely affect protein function. In summary, the available evidence is currently insufficient to determine the role of this variant in disease. Therefore, it has been classified as a Variant of Uncertain Significance.